The following is an entry in ClinVar:

NM_015909.4(NBAS):c.5836G>A (p.Asp1946Asn)

Gene: NBAS (NBAS subunit of NRZ tethering complex; minus strand). Cytogenetic location: 2p24.3.
Variant type: single nucleotide variant.
Coding change: c.5836G>A on transcript NM_015909.4 (MANE Select); coding-DNA position 5836, G replaced by A.
Protein change: p.Asp1946Asn; replaces aspartic acid 1946 with asparagine.
Molecular consequence: missense variant. On other transcripts: non-coding transcript variant (1).
Genome position (GRCh38, 1-based): chr2:15,238,575, C>T on the plus strand (G>A on the coding strand, the complement: NBAS is on the minus strand). VCF-style: chr2-15238575-C-T. GRCh37 (hg19) VCF-style: chr2-15378699-C-T.
Other names: short protein forms D1946N.
Identifiers: ClinVar variation 1506741 (VCV001506741.6), dbSNP rs761691682, ClinGen allele CA1535186.
Genomic context (GRCh38, chr2:15,238,575, plus strand): 5'-CCAGGTGGGCAAGTGATTTCTCCAGATGATTCAAAGTATCTGCATAGGTAACTTTAGAAT[C>T]CTTAGCTTCTTGAGCTTCGTCTTCTGAGTTTCTTTTCCTTGGCTTCTCAATAAAATGTTT-3'
Protein context (NP_056993.2, residues 1936-1956): NSEDEAQEAK[Asp1946Asn]SKVTYADTLN

ClinVar aggregate classification (germline): Uncertain significance (1 of 4 stars; one submission).

Allele frequency attached by ClinVar (database versions not stated): gnomAD exomes below 0.00001; ExAC 0.00001; gnomAD 0.00002; TOPMed 0.00002.
gnomAD v4.1: 4 of 1,613,888 alleles (0.00025%); highest among the groups gnomAD compares: African/African-American, 0.0053%; no homozygotes.

Submission:

Labcorp Genetics (formerly Invitae), Labcorp
Classification: Uncertain significance. Last evaluated: 2022-08-15. Review status: criteria provided, single submitter. Criteria: Invitae Variant Classification Sherloc (09022015). Collection method: clinical testing. Allele origin: germline.
Comment: This sequence change replaces aspartic acid, which is acidic and polar, with asparagine, which is neutral and polar, at codon 1946 of the NBAS protein (p.Asp1946Asn). This variant is present in population databases (rs761691682, gnomAD 0.007%). This variant has not been reported in the literature in individuals affected with NBAS-related conditions. ClinVar contains an entry for this variant (Variation ID: 1506741). Algorithms developed to predict the effect of missense changes on protein structure and function are either unavailable or do not agree on the potential impact of this missense change (SIFT: "Deleterious"; PolyPhen-2: "Benign"; Align-GVGD: "Class C15"). In summary, the available evidence is currently insufficient to determine the role of this variant in disease. Therefore, it has been classified as a Variant of Uncertain Significance.